The following is an entry in ClinVar:

NM_001927.4(DES):c.1203G>C (p.Glu401Asp)

Gene: DES (desmin; plus strand). Cytogenetic location: 2q35.
Variant type: single nucleotide variant.
Coding change: c.1203G>C on transcript NM_001927.4 (MANE Select); coding-DNA position 1203, G replaced by C.
Protein change: p.Glu401Asp; replaces glutamic acid 401 with aspartic acid.
Molecular consequence: missense variant.
Genome position (GRCh38, 1-based): chr2:219,421,519, G>C. VCF-style: chr2-219421519-G-C. GRCh37 (hg19) VCF-style: chr2-220286241-G-C.
Other names: c.1200G>C, p.Glu400Asp (NM_001382708.1); c.771G>C, p.Glu257Asp (NM_001382709.1); c.1134G>C, p.Glu378Asp (NM_001382710.1); c.1182G>C, p.Glu394Asp (NM_001382711.1); c.1203G>C, p.Glu401Asp (NM_001382712.1); c.933G>C, p.Glu311Asp (NM_001382713.1); short protein forms E257D, E311D, E378D, E394D, E400D, E401D.
Identifiers: ClinVar variation 1324221 (VCV001324221.9), dbSNP rs2125168897, ClinGen allele CA350694961.

ClinVar aggregate classification (germline): Pathogenic/Likely pathogenic. Review status: criteria provided, multiple submitters, no conflicts (2 of 4 stars). 2 submissions from 2 submitters: Pathogenic (1); Likely pathogenic (1). Last evaluated 2025-01-22.

Conditions:
Cardiovascular phenotype. Identifiers: MedGen CN230736.
Desmin-related myofibrillar myopathy (MFM1). Also called: Desminopathy; Desmin related myopathy (former name); Desmin storage myopathy (former name); Myofibrillar myopathy 1; MYOFIBRILLAR MYOPATHY WITH ARRHYTHMOGENIC RIGHT VENTRICULAR CARDIOMYOPATHY; DESMIN-RELATED MYOPATHY WITH ARRHYTHMOGENIC RIGHT VENTRICULAR CARDIOMYOPATHY. Identifiers: Orphanet 363543, Orphanet 98909, MedGen C1832370, MONDO:0011076, OMIM 601419.

Submissions (2):

Ambry Genetics
Classification: Likely pathogenic for Cardiovascular phenotype. Last evaluated: 2025-01-22. Review status: criteria provided, single submitter. Criteria: Ambry Variant Classification Scheme 2023. Collection method: clinical testing. Allele origin: germline.
Comment: The p.E401D variant (also known as c.1203G>C), located in coding exon 6 of the DES gene, results from a G to C substitution at nucleotide position 1203. The glutamic acid at codon 401 is replaced by aspartic acid, an amino acid with highly similar properties. This alteration has been reported in a family with concerns for arrhythmogenic right ventricular cardiomyopathy (ARVC) and was shown to segregate with disease (Jim&eacute;nez-J&aacute;imez J et al. Rev Esp Cardiol (Engl Ed), 2017 Oct;70:808-816; Berm&uacute;dez-Jim&eacute;nez FJ et al. Circulation, 2018 04;137:1595-1610). This variant may have an impact on protein function (Berm&uacute;dez-Jim&eacute;nez FJ et al. Circulation, 2018 04;137:1595-1610). This amino acid position is highly conserved in available vertebrate species. In addition, this alteration is predicted to be deleterious by in silico analysis. This variant is considered to be rare based on population cohorts in the Genome Aggregation Database (gnomAD). Based on the majority of available evidence to date, this variant is likely to be pathogenic.

Labcorp Genetics (formerly Invitae), Labcorp
Classification: Pathogenic for Desmin-related myofibrillar myopathy. Last evaluated: 2022-07-31. Review status: criteria provided, single submitter. Criteria: Invitae Variant Classification Sherloc (09022015). Collection method: clinical testing. Allele origin: germline.
Comment: This missense change has been observed in individual(s) with autosomal dominant arrhythmogenic cardiomyopathy (PMID: 29212896). It has also been observed to segregate with disease in related individuals. This variant is not present in population databases (gnomAD no frequency). This sequence change replaces glutamic acid, which is acidic and polar, with aspartic acid, which is acidic and polar, at codon 401 of the DES protein (p.Glu401Asp). ClinVar contains an entry for this variant (Variation ID: 1324221). For these reasons, this variant has been classified as Pathogenic. Experimental studies have shown that this missense change affects DES function (PMID: 29212896). Algorithms developed to predict the effect of missense changes on protein structure and function (SIFT, PolyPhen-2, Align-GVGD) all suggest that this variant is likely to be disruptive.

Literature cited by the submitters: PubMed 21262226 (cited by Ambry Genetics); PubMed 28566242 (cited by Ambry Genetics); PubMed 29212896 (cited by Ambry Genetics and Labcorp Genetics (formerly Invitae), Labcorp).